The following is an entry in ClinVar:

ClinVar aggregate classification (germline): Pathogenic (1 of 4 stars; one submission).

Conditions:
Leber congenital amaurosis 2 (LCA2). Also called: AMAUROSIS CONGENITA OF LEBER II; Autosomal Recessive RPE65-Related Retinal Degeneration. Identifiers: Orphanet 65, MedGen C1859844, MONDO:0008765, OMIM 204100. Disease mechanism: loss of function.
Retinitis pigmentosa 20 (RP20). Identifiers: Orphanet 791, MedGen C3151086, MONDO:0013425, OMIM 613794.

Submission:

Labcorp Genetics (formerly Invitae), Labcorp
Classification: Pathogenic for Leber congenital amaurosis 2; Retinitis pigmentosa 20. Last evaluated: 2022-06-22. Review status: criteria provided, single submitter. Criteria: Invitae Variant Classification Sherloc (09022015). Collection method: clinical testing. Allele origin: unknown.
Comment: For these reasons, this variant has been classified as Pathogenic. This variant has not been reported in the literature in individuals affected with RPE65-related conditions. This variant is a gross deletion of the genomic region encompassing exon(s) 2 of the RPE65 gene. This deletion is out-of-frame, and is expected to create a premature termination codon and result in an absent or disrupted protein product. Loss-of-function variants in RPE65 are known to be pathogenic (PMID: 9326941, 9501220, 9843205, 18632300).

Literature cited by the submitters: PubMed 9326941; PubMed 9501220; PubMed 9843205; PubMed 18632300.

NC_000001.10:g.(?_68914287)_(68914409_?)del

Gene: RPE65 (retinoid isomerohydrolase RPE65; minus strand). Cytogenetic location: 1p31.2.
Variant type: Deletion.
Identifiers: ClinVar variation 3247770 (VCV003247770.1).